The following is an entry in ClinVar:

NM_000439.5(PCSK1):c.491C>A (p.Thr164Asn)

Genes: CAST (calpastatin; plus strand), PCSK1 (proprotein convertase subtilisin/kexin type 1; minus strand), LOC101929710 (uncharacterized LOC101929710; plus strand). Cytogenetic location: 5q15.
Variant type: single nucleotide variant.
Coding change: c.491C>A on transcript NM_000439.5 (MANE Select); coding-DNA position 491, C replaced by A.
Protein change: p.Thr164Asn; replaces threonine 164 with asparagine.
Molecular consequence: missense variant. On other transcripts: intron variant (11).
Genome position (GRCh38, 1-based): chr5:96,423,365, G>T on the plus strand (C>A on the coding strand, the complement: PCSK1 is on the minus strand). VCF-style: chr5-96423365-G-T. GRCh37 (hg19) VCF-style: chr5-95759069-G-T.
Other names: c.350C>A, p.Thr117Asn (NM_001177875.2); c.-175+43713G>T (NM_001423254.1, NM_001423259.1, NM_001423255.1 and 6 more transcripts); c.-103+43713G>T (NM_001423253.1); c.-40+43713G>T (NM_001423258.1); short protein forms T164N, T117N.
Identifiers: ClinVar variation 4998902 (VCV004998902.1).

ClinVar aggregate classification (germline): Uncertain significance (1 of 4 stars; one submission).

Conditions:
PCSK1-related disorder. Also called: PCSK1-related condition.

gnomAD v4.1: 1 of 1,613,774 alleles (0.000062%); highest among the groups gnomAD compares: South Asian, 0.0011%; no homozygotes.

Submission:

PreventionGenetics, part of Exact Sciences
Classification: Uncertain significance for PCSK1-related condition. Last evaluated: 2024-10-10. Review status: criteria provided, single submitter. Criteria: ACMG Guidelines, 2015. Collection method: clinical testing. Allele origin: germline.
Comment: The PCSK1 c.491C>A variant is predicted to result in the amino acid substitution p.Thr164Asn. To our knowledge, this variant has not been reported in the literature or in a large population database (gnomAD), indicating this variant is rare. At this time, the clinical significance of this variant is uncertain due to the absence of conclusive functional and genetic evidence.